The following is an entry in ClinVar:

ClinVar aggregate classification (germline): Uncertain significance (1 of 4 stars; one submission).

Submission:

Labcorp Genetics (formerly Invitae), Labcorp
Classification: Uncertain significance. Last evaluated: 2023-07-12. Review status: criteria provided, single submitter. Criteria: Invitae Variant Classification Sherloc (09022015). Collection method: clinical testing. Allele origin: germline.
Comment: In summary, the available evidence is currently insufficient to determine the role of this variant in disease. Therefore, it has been classified as a Variant of Uncertain Significance. Variants that disrupt the consensus splice site are a relatively common cause of aberrant splicing (PMID: 17576681, 9536098). Algorithms developed to predict the effect of sequence changes on RNA splicing suggest that this variant is not likely to affect RNA splicing. This variant has not been reported in the literature in individuals affected with NSD1-related conditions. This variant is not present in population databases (gnomAD no frequency). This sequence change falls in intron 16 of the NSD1 gene. It does not directly change the encoded amino acid sequence of the NSD1 protein. It affects a nucleotide within the consensus splice site.

Literature cited by the submitters: PubMed 17576681; PubMed 9536098.

NM_022455.5(NSD1):c.5509+4del

Genes: NSD1 (nuclear receptor binding SET domain protein 1; plus strand), LOC126807619 (MED14-independent group 3 enhancer GRCh37_chr5:176696443-176697642; plus strand). Cytogenetic location: 5q35.3.
Variant type: Deletion.
Coding change: c.5509+4del on transcript NM_022455.5 (MANE Select); 4 bases into the intron after coding-DNA position 5509, one base deleted (A; older notation c.5509+4delA).
Molecular consequence: intron variant.
Genome position (GRCh38, 1-based): chr5:177,269,811, A deleted; the last of 2 consecutive A bases (chr5:177,269,810-177,269,811); deleting either gives the same sequence. VCF-style (leftmost placement, unchanged base first): chr5-177269809-TA-T. GRCh37 (hg19) VCF-style: chr5-176696810-TA-T.
Other names: c.5509+4del (NM_001409301.1, NM_001409302.1, NM_001409303.1); c.5089+4del (NM_001409304.1); c.4756+4del (NM_001409305.1); c.4747+4del (NM_001409306.1, NM_001409307.1); c.4636+4del (NM_001409308.1, NM_172349.5, NM_001409309.1 and 1 more transcripts).
Identifiers: ClinVar variation 3628263 (VCV003628263.2).